The following is an entry in ClinVar:

ClinVar aggregate classification (germline): Pathogenic (1 of 4 stars; one submission).

Conditions:
Familial cancer of breast. Also called: Hereditary breast cancer; hereditary breast carcinoma; BREAST CANCER, FAMILIAL. Identifiers: Orphanet 227535, MedGen C0346153, MONDO:0016419, OMIM 114480. Disease mechanism: loss of function.

Submission:

GeneKor MSA
Classification: Pathogenic for Hereditary Breast Carcinoma. Last evaluated: 2020-01-01. Review status: criteria provided, single submitter. Criteria: ACMG Guidelines, 2015. Collection method: clinical testing. Allele origin: germline. Affected: yes.
Comment: This sequence change deletes one base from exon 10 of the BRCA2 mRNA (c.1059delA ) causing a frameshift after codon 354 and the creation of a premature translation stop signal 13 amino acid residues later p.(Phe354Leufs). This is expected to result in an absent or disrupted protein product. Truncating variants in BRCA2 are known to be pathogenic.

NM_000059.4(BRCA2):c.1059del (p.Phe354fs)

Gene: BRCA2 (BRCA2 DNA repair associated; plus strand). Cytogenetic location: 13q13.1.
Variant type: Deletion.
Coding change: c.1059del on transcript NM_000059.4 (MANE Select); coding-DNA position 1059, one base deleted (A; older notation c.1059delA).
Protein change: p.Phe354fs; shifts the reading frame from phenylalanine 354.
Molecular consequence: frameshift variant.
Genome position (GRCh38, 1-based): chr13:32,332,537, A deleted. VCF-style (leftmost placement, unchanged base first): chr13-32332536-CA-C. GRCh37 (hg19) VCF-style: chr13-32906673-CA-C.
Other names: c.1059delA (NM_000059.3); short protein forms F354fs.
Identifiers: ClinVar variation 495096 (VCV000495096.3), dbSNP rs1555281715, ClinGen allele CA658683843.
Genomic context (GRCh38, chr13:32,332,536, plus strand): 5'-TCCATGAAGCAAACGCTGATGAATGTGAAAAATCTAAAAACCAAGTGAAAGAAAAATACT[CA>C]TTTGTATCTGAAGTGGAACCAAATGATACTGATCCATTAGATTCAAATGTAGCAAATCAG-3'